The following is an entry in ClinVar:

ClinVar aggregate classification (germline): Conflicting classifications of pathogenicity. Review status: criteria provided, conflicting classifications (1 of 4 stars). 2 submissions from 2 submitters: Pathogenic (1); Uncertain significance (1). Last evaluated 2026-06-15.

Submissions (2):

Women's Health and Genetics/Laboratory Corporation of America, LabCorp
Classification: Uncertain significance. Last evaluated: 2026-06-15. Review status: criteria provided, single submitter. Criteria: LabCorp Variant Classification Summary - May 2015. Collection method: clinical testing. Allele origin: germline.
Comment: Variant summary: CNGB3 c.886A>T (p.Thr296Ser) results in a conservative amino acid change in the encoded protein sequence. Algorithms developed to predict the effect of missense changes on protein structure and function all suggest that this variant is likely to be tolerated. The variant was absent in 251234 control chromosomes (gnomAD). The available data on variant occurrences in the general population are insufficient to allow any conclusion about variant significance. c.886A>T has been observed in an individual affected with macular degeneration who also had other more likely causal variants (Hitti-Malin_2022). This report does not provide unequivocal conclusions about association of the variant with disease. To our knowledge, no experimental evidence demonstrating an impact on protein function has been reported. Based on the evidence outlined above, the variant was classified as uncertain significance.

Labcorp Genetics (formerly Invitae), Labcorp
Classification: Pathogenic. Last evaluated: 2022-02-04. Review status: criteria provided, single submitter. Criteria: Invitae Variant Classification Sherloc (09022015). Collection method: clinical testing. Allele origin: germline.
Comment: This sequence change creates a premature translational stop signal (p.Thr296Ser) in the CNGB3 gene. It is expected to result in an absent or disrupted protein product. Loss-of-function variants in CNGB3 are known to be pathogenic (PMID: 28795510). This variant is not present in population databases (gnomAD no frequency). This premature translational stop signal has been observed in individual(s) with achromatopsia (PMID: 15657609, 20079539, 23362848). In at least one individual the data is consistent with being in trans (on the opposite chromosome) from a pathogenic variant. Advanced modeling of protein sequence and biophysical properties (such as structural, functional, and spatial information, amino acid conservation, physicochemical variation, residue mobility, and thermodynamic stability) performed at Invitae indicates that this missense variant is not expected to disrupt CNGB3 protein function. For these reasons, this variant has been classified as Pathogenic.

Literature cited by the submitters: PubMed 36259723 (cited by Women's Health and Genetics/Laboratory Corporation of America, LabCorp); PubMed 28795510 (cited by Labcorp Genetics (formerly Invitae), Labcorp); PubMed 15657609 (cited by Labcorp Genetics (formerly Invitae), Labcorp); PubMed 20079539 (cited by Labcorp Genetics (formerly Invitae), Labcorp); PubMed 23362848 (cited by Labcorp Genetics (formerly Invitae), Labcorp).

NM_019098.5(CNGB3):c.886A>T (p.Thr296Ser)

Gene: CNGB3 (cyclic nucleotide gated channel subunit beta 3; minus strand). Cytogenetic location: 8q21.3.
Variant type: single nucleotide variant.
Coding change: c.886A>T on transcript NM_019098.5 (MANE Select); coding-DNA position 886, A replaced by T.
Protein change: p.Thr296Ser; replaces threonine 296 with serine.
Molecular consequence: missense variant.
Genome position (GRCh38, 1-based): chr8:86,654,029, T>A on the plus strand (A>T on the coding strand, the complement: CNGB3 is on the minus strand). VCF-style: chr8-86654029-T-A. GRCh37 (hg19) VCF-style: chr8-87666257-T-A.
Other names: short protein forms T296S.
Identifiers: ClinVar variation 2158835 (VCV002158835.2), dbSNP rs1042003977, ClinGen allele CA180355238.
Genomic context (GRCh38, chr8:86,654,029, plus strand): 5'-GTAATAGATCACGTGAGCAACTTTGAAATTGTTTGTCACCTACCTGAAATTTTGTAGAAG[T>A]CCTGTAGTGTTTCCTTAGCTCATTTGAATCCACCTGAAAGATATTTGTATTTTCATTAAT-3'
Protein context (NP_061971.3, residues 286-306): DSNELRKHYR[Thr296Ser]STKFQLDVAS